The following is an entry in ClinVar:

NM_013386.5(SLC25A24):c.972C>A (p.Tyr324Ter)

Gene: SLC25A24 (solute carrier family 25 member 24; minus strand). Cytogenetic location: 1p13.3.
Variant type: single nucleotide variant.
Coding change: c.972C>A on transcript NM_013386.5 (MANE Select); coding-DNA position 972, C replaced by A.
Protein change: p.Tyr324Ter; replaces tyrosine 324 with a stop codon.
Molecular consequence: nonsense.
Genome position (GRCh38, 1-based): chr1:108,143,669, G>T on the plus strand (C>A on the coding strand, the complement: SLC25A24 is on the minus strand). VCF-style: chr1-108143669-G-T. GRCh37 (hg19) VCF-style: chr1-108686291-G-T.
Other names: c.915C>A, p.Tyr305Ter (NM_213651.3); short protein forms Y324*, Y305*.
Identifiers: ClinVar variation 4750411 (VCV004750411.1).

ClinVar aggregate classification (germline): Uncertain significance (1 of 4 stars; one submission).

gnomAD v4.1: 30 of 1,613,228 alleles (0.0019%); highest among the groups gnomAD compares: African/African-American, 0.039%; no homozygotes.

Submission:

Labcorp Genetics (formerly Invitae), Labcorp
Classification: Uncertain significance. Last evaluated: 2025-03-07. Review status: criteria provided, single submitter. Criteria: Invitae Variant Classification Sherloc (09022015). Collection method: clinical testing. Allele origin: germline.
Comment: This sequence change creates a premature translational stop signal (p.Tyr324*) in the SLC25A24 gene. It is expected to result in an absent or disrupted protein product. However, the current clinical and genetic evidence is not sufficient to establish whether loss-of-function variants in SLC25A24 cause disease. This variant is present in population databases (rs187699990, gnomAD 0.05%). This variant has not been reported in the literature in individuals affected with SLC25A24-related conditions. In summary, the available evidence is currently insufficient to determine the role of this variant in disease. Therefore, it has been classified as a Variant of Uncertain Significance.